The following is an entry in ClinVar:

NM_017672.6(TRPM7):c.4327C>T (p.His1443Tyr)

Gene: TRPM7 (transient receptor potential cation channel subfamily M member 7; minus strand). Cytogenetic location: 15q21.2.
Variant type: single nucleotide variant.
Coding change: c.4327C>T on transcript NM_017672.6 (MANE Select); coding-DNA position 4327, C replaced by T.
Protein change: p.His1443Tyr; replaces histidine 1443 with tyrosine.
Molecular consequence: missense variant. On other transcripts: non-coding transcript variant (3).
Genome position (GRCh38, 1-based): chr15:50,589,654, G>A on the plus strand (C>T on the coding strand, the complement: TRPM7 is on the minus strand). VCF-style: chr15-50589654-G-A. GRCh37 (hg19) VCF-style: chr15-50881851-G-A.
Other names: c.4327C>T, p.His1443Tyr (NM_001301212.2); c.4327C>T (NM_017672.4); short protein forms H1443Y.
Identifiers: ClinVar variation 3899156 (VCV003899156.2).

ClinVar aggregate classification (germline): Uncertain significance. Review status: criteria provided, multiple submitters, no conflicts (2 of 4 stars). 2 submissions from 2 submitters: Uncertain significance (2). Last evaluated 2025-12-15.

gnomAD v4.1: 8 of 1,581,530 alleles (0.00051%); highest among the groups gnomAD compares: Non-Finnish European, 0.00069%; no homozygotes.

Submissions (2):

Ambry Genetics
Classification: Uncertain significance. Last evaluated: 2025-12-15. Review status: criteria provided, single submitter. Criteria: Ambry Variant Classification Scheme 2023. Collection method: clinical testing. Allele origin: germline.

GeneDx
Classification: Uncertain significance. Last evaluated: 2024-11-09. Review status: criteria provided, single submitter. Criteria: GeneDx Variant Classification Process June 2021. Collection method: clinical testing. Allele origin: germline. Affected: yes.
Comment: Not observed at significant frequency in large population cohorts (gnomAD); In silico analysis indicates that this missense variant does not alter protein structure/function; Has not been previously published as pathogenic or benign to our knowledge